The following is an entry in ClinVar:

NM_006915.3(RP2):c.515dup (p.Ser172fs)

Gene: RP2 (RP2 activator of ARL3 GTPase; plus strand). Cytogenetic location: Xp11.3.
Variant type: Duplication.
Coding change: c.515dup on transcript NM_006915.3 (MANE Select); coding-DNA position 515, one base duplicated (G; older notation c.515dupG).
Protein change: p.Ser172fs; shifts the reading frame from serine 172.
Molecular consequence: frameshift variant.
Genome position (GRCh38, 1-based): chrX:46,853,888, G duplicated. VCF-style (leftmost placement, unchanged base first): chrX-46853887-A-AG. GRCh37 (hg19) VCF-style: chrX-46713322-A-AG.
Other names: short protein forms S172fs.
Identifiers: ClinVar variation 839997 (VCV000839997.10), dbSNP rs1924907644, ClinGen allele CA916083942.

ClinVar aggregate classification (germline): Pathogenic. Review status: criteria provided, multiple submitters, no conflicts (2 of 4 stars). 2 submissions from 2 submitters: Pathogenic (2). Last evaluated 2025-04-16.

Conditions:
RP2-related disorder. Also called: RP2-related condition.

Submissions (2):

Labcorp Genetics (formerly Invitae), Labcorp
Classification: Pathogenic. Last evaluated: 2025-04-16. Review status: criteria provided, single submitter. Criteria: Invitae Variant Classification Sherloc (09022015). Collection method: clinical testing. Allele origin: germline.
Comment: This sequence change creates a premature translational stop signal (p.Ser172Argfs*2) in the RP2 gene. It is expected to result in an absent or disrupted protein product. Loss-of-function variants in RP2 are known to be pathogenic (PMID: 11992260, 20625056). This variant is not present in population databases (gnomAD no frequency). This premature translational stop signal has been observed in individuals with retinitis pigmentosa (PMID: 11992260; internal data). This variant is also known as 515insG. ClinVar contains an entry for this variant (Variation ID: 839997). For these reasons, this variant has been classified as Pathogenic.

Blueprint Genetics
Classification: Pathogenic for RP2-related disorders. Last evaluated: 2021-11-30. Review status: criteria provided, single submitter. Criteria: ACMG Guidelines, 2015. Collection method: clinical testing. Allele origin: germline. Affected: yes. Observed: 1 variant allele.

Literature cited by the submitters: PubMed 11992260 (cited by Labcorp Genetics (formerly Invitae), Labcorp); PubMed 20625056 (cited by Labcorp Genetics (formerly Invitae), Labcorp).